The following is an entry in ClinVar:

ClinVar aggregate classification (germline): Uncertain significance (1 of 4 stars; one submission).

Conditions:
Familial sleep-related hypermotor epilepsy. Also called: Autosomal Dominant Sleep-Related Hypermotor (Hyperkinetic) Epilepsy. Identifiers: Orphanet 98784, MedGen C3696898, MONDO:0000030.

Submission:

Labcorp Genetics (formerly Invitae), Labcorp
Classification: Uncertain significance. Last evaluated: 2016-09-23. Review status: criteria provided, single submitter. Criteria: Invitae Variant Classification Sherloc (09022015). Collection method: clinical testing. Allele origin: germline.
Comment: This sequence change replaces phenylalanine with serine at codon 287 of the CHRNA2 protein (p.Phe287Ser). The phenylalanine residue is highly conserved and there is a large physicochemical difference between phenylalanine and serine. This variant is not present in population databases (ExAC no frequency) and has not been reported in the literature in individuals with a CHRNA2-related disease. In summary, this variant is a novel missense change with uncertain impact on protein function. It has been classified as a Variant of Uncertain Significance. Algorithms developed to predict the effect of missense changes on protein structure and function (SIFT, PolyPhen-2, Align-GVGD) all suggest that this variant is likely to be disruptive, but these predictions have not been confirmed by published functional studies.

NM_000742.4(CHRNA2):c.860T>C (p.Phe287Ser)

Gene: CHRNA2 (cholinergic receptor nicotinic alpha 2 subunit; minus strand). Cytogenetic location: 8p21.2.
Variant type: single nucleotide variant.
Coding change: c.860T>C on transcript NM_000742.4 (MANE Select); coding-DNA position 860, T replaced by C.
Protein change: p.Phe287Ser; replaces phenylalanine 287 with serine.
Molecular consequence: missense variant.
Genome position (GRCh38, 1-based): chr8:27,463,583, A>G on the plus strand (T>C on the coding strand, the complement: CHRNA2 is on the minus strand). VCF-style: chr8-27463583-A-G. GRCh37 (hg19) VCF-style: chr8-27321100-A-G.
Other names: c.815T>C, p.Phe272Ser (NM_001282455.2); c.383T>C, p.Phe128Ser (NM_001347705.2, NM_001347706.2); c.266T>C, p.Phe89Ser (NM_001347707.2, NM_001347708.2); short protein forms F287S, F128S, F89S, F272S.
Identifiers: ClinVar variation 410917 (VCV000410917.5), dbSNP rs1060503073, ClinGen allele CA16612445.
Genomic context (GRCh38, chr8:27,463,583, plus strand): 5'-AGTGACAGCAGCACCGAAATGCACAGCGTGATCTTCTCGCCGCAGTCGGAGGGCAGGTAG[A>G]AGACCAGCACAGTGAGGCAGGAGATGAGCAGGCAGGGGATGATGAGGTTGATGGTGTAGA-3'
Protein context (NP_000733.2, residues 277-297): LLISCLTVLV[Phe287Ser]YLPSDCGEKI